The following is an entry in ClinVar:

NM_031220.4(PITPNM3):c.719C>T (p.Ala240Val)

Gene: PITPNM3 (PITPNM family member 3; minus strand). Cytogenetic location: 17p13.2.
Variant type: single nucleotide variant.
Coding change: c.719C>T on transcript NM_031220.4 (MANE Select); coding-DNA position 719, C replaced by T.
Protein change: p.Ala240Val; replaces alanine 240 with valine.
Molecular consequence: missense variant.
Genome position (GRCh38, 1-based): chr17:6,478,605, G>A on the plus strand (C>T on the coding strand, the complement: PITPNM3 is on the minus strand). VCF-style: chr17-6478605-G-A. GRCh37 (hg19) VCF-style: chr17-6381925-G-A.
Other names: c.611C>T, p.Ala204Val (NM_001165966.2); short protein forms A204V, A240V.
Identifiers: ClinVar variation 3695389 (VCV003695389.2).

ClinVar aggregate classification (germline): Uncertain significance (1 of 4 stars; one submission).

Submission:

Labcorp Genetics (formerly Invitae), Labcorp
Classification: Uncertain significance. Last evaluated: 2024-10-27. Review status: criteria provided, single submitter. Criteria: Invitae Variant Classification Sherloc (09022015). Collection method: clinical testing. Allele origin: germline.
Comment: This sequence change replaces alanine, which is neutral and non-polar, with valine, which is neutral and non-polar, at codon 240 of the PITPNM3 protein (p.Ala240Val). This variant is present in population databases (rs553071315, gnomAD 0.02%). This variant has not been reported in the literature in individuals affected with PITPNM3-related conditions. Invitae Evidence Modeling of protein sequence and biophysical properties (such as structural, functional, and spatial information, amino acid conservation, physicochemical variation, residue mobility, and thermodynamic stability) indicates that this missense variant is not expected to disrupt PITPNM3 protein function with a negative predictive value of 80%. In summary, the available evidence is currently insufficient to determine the role of this variant in disease. Therefore, it has been classified as a Variant of Uncertain Significance.